The following is an entry in ClinVar:

NM_015459.5(ATL3):c.5_7delinsCTG (p.Leu2_Ser3delinsSerAla)

Gene: ATL3 (atlastin GTPase 3; minus strand). Cytogenetic location: 11q13.1.
Variant type: Indel.
Coding change: c.5_7delinsCTG on transcript NM_015459.5 (MANE Select); coding-DNA positions 5 to 7, TGT replaced by CTG.
Protein change: p.Leu2_Ser3delinsSerAla.
Molecular consequence: missense variant. On other transcripts: intron variant (1).
Genome position (GRCh38, 1-based): chr11:63,671,329-63,671,331, ACA replaced by CAG on the plus strand (TGT replaced by CTG on the coding strand, the reverse complement: ATL3 is on the minus strand). VCF-style: chr11-63671329-ACA-CAG. GRCh37 (hg19) VCF-style: chr11-63438801-ACA-CAG.
Other names: c.-9+305_-9+307delinsCTG (NM_001290048.2).
Identifiers: ClinVar variation 541685 (VCV000541685.5), dbSNP rs1555059203, ClinGen allele CA658797676.

ClinVar aggregate classification (germline): Uncertain significance (1 of 4 stars; one submission).

Conditions:
Neuropathy, hereditary sensory, type 1F. Also called: HSN IF; Hereditary sensory neuropathy type IF. Identifiers: Orphanet 36386, MedGen C3810194, MONDO:0014286, OMIM 615632.

Submission:

Labcorp Genetics (formerly Invitae), Labcorp
Classification: Uncertain significance for Neuropathy, hereditary sensory, type 1F. Last evaluated: 2025-01-28. Review status: criteria provided, single submitter. Criteria: Invitae Variant Classification Sherloc (09022015). Collection method: clinical testing. Allele origin: germline.
Comment: This variant, c.5_7delinsCTG, is a complex sequence change that results in the deletion of 2 and insertion of 2 amino acid(s) in the ATL3 protein (p.Leu2_Ser3delinsSerAla). Information on the frequency of this variant in the gnomAD database is not available, as this variant may be reported differently in the database. This variant has not been reported in the literature in individuals affected with ATL3-related conditions. Experimental studies and prediction algorithms are not available or were not evaluated, and the functional significance of this variant is currently unknown. In summary, the available evidence is currently insufficient to determine the role of this variant in disease. Therefore, it has been classified as a Variant of Uncertain Significance.